The following is an entry in ClinVar:

ClinVar aggregate classification (germline): Uncertain significance (1 of 4 stars; one submission).

Conditions:
Neurodevelopmental disorder with microcephaly, impaired language, epilepsy, and gait abnormalities. Identifiers: MedGen C5436788, MONDO:0030837, OMIM 619092.

Submission:

SIB Swiss Institute of Bioinformatics
Classification: Uncertain significance for Neurodevelopmental disorder with microcephaly, impaired language, epilepsy, and gait abnormalities. Last evaluated: 2021-05-10. Review status: criteria provided, single submitter. Criteria: ACMG Guidelines, 2015. Collection method: curation. Allele origin: unknown.
Comment: This variant is interpreted as a variant of uncertain significance for Neurodevelopmental disorder with microcephaly, impaired language, epilepsy, and gait abnormalities, autosomal dominant. The following ACMG Tag(s) were applied: Absent from controls (or at extremely low frequency if recessive) in Exome Sequencing Project, 1000 Genomes Project, or Exome Aggregation Consortium (PM2); Assumed de novo, but no confirmation of paternity and maternity (PM6); Multiple lines of computational evidence support a deleterious effect on the gene or gene product (PP3).

Literature cited by the submitters: PubMed 32738225.

NM_004539.4(NARS1):c.1525G>A (p.Gly509Ser)

Gene: NARS1 (asparaginyl-tRNA synthetase 1; minus strand). Cytogenetic location: 18q21.31.
Variant type: single nucleotide variant.
Coding change: c.1525G>A on transcript NM_004539.4 (MANE Select); coding-DNA position 1525, G replaced by A.
Protein change: p.Gly509Ser; replaces glycine 509 with serine.
Molecular consequence: missense variant.
Genome position (GRCh38, 1-based): chr18:57,601,774, C>T on the plus strand (G>A on the coding strand, the complement: NARS1 is on the minus strand). VCF-style: chr18-57601774-C-T. GRCh37 (hg19) VCF-style: chr18-55269006-C-T.
Other names: short protein forms G509S.
Identifiers: ClinVar variation 1077118 (VCV001077118.1), dbSNP rs2122416610, ClinGen allele CA402543046.